The following is an entry in ClinVar:

NM_000053.4(ATP7B):c.2979G>A (p.Thr993=)

Gene: ATP7B (ATPase copper transporting beta; minus strand). Cytogenetic location: 13q14.3.
Variant type: single nucleotide variant.
Coding change: c.2979G>A on transcript NM_000053.4 (MANE Select); coding-DNA position 2979, G replaced by A.
Protein change: p.Thr993=; no amino-acid change (threonine 993 retained).
Molecular consequence: synonymous variant.
Genome position (GRCh38, 1-based): chr13:51,946,365, C>T on the plus strand (G>A on the coding strand, the complement: ATP7B is on the minus strand). VCF-style: chr13-51946365-C-T. GRCh37 (hg19) VCF-style: chr13-52520501-C-T.
Other names: c.2358G>A, p.Thr786= (NM_001005918.3); c.2646G>A, p.Thr882= (NM_001243182.2); c.2745G>A, p.Thr915= (NM_001330578.2); c.2727G>A, p.Thr909= (NM_001330579.2).
Identifiers: ClinVar variation 668500 (VCV000668500.12), dbSNP rs200656411, ClinGen allele CA6988849.

ClinVar aggregate classification (germline): Likely benign. Review status: criteria provided, multiple submitters, no conflicts (2 of 4 stars). 5 submissions from 5 submitters: Likely benign (5). Last evaluated 2026-01-31.

Conditions:
Wilson disease (WND). Also called: Wilson's disease. Identifiers: Orphanet 905, MedGen C0019202, MONDO:0010200, OMIM 277900. Disease mechanism: loss of function.
Inborn genetic diseases. Identifiers: MedGen C0950123, MeSH D030342.

Allele frequency attached by ClinVar (database versions not stated): TOPMed 0.00001; gnomAD 0.00002 and 0.00003; 1000 Genomes Project 0.00020; 1000 Genomes Project 30x 0.00031.
gnomAD v4.1: 39 of 1,613,310 alleles (0.0024%); highest among the groups gnomAD compares: East Asian, 0.0089%; no homozygotes.

Submissions (5):

Labcorp Genetics (formerly Invitae), Labcorp
Classification: Likely benign for Wilson disease. Last evaluated: 2026-01-31. Review status: criteria provided, single submitter. Criteria: Invitae Variant Classification Sherloc (09022015). Collection method: clinical testing. Allele origin: germline.

Ambry Genetics
Classification: Likely benign for Inborn genetic diseases. Last evaluated: 2024-09-11. Review status: criteria provided, single submitter. Criteria: Ambry Variant Classification Scheme 2023. Collection method: clinical testing. Allele origin: germline.

All of Us Research Program, National Institutes of Health
Classification: Likely benign for Wilson disease. Last evaluated: 2023-10-23. Review status: criteria provided, single submitter. Criteria: ACMG Guidelines, 2015. Collection method: clinical testing. Allele origin: germline. Inheritance: Autosomal recessive inheritance. Observed: 7 variant alleles, 7 heterozygotes.
Comment: This study involves interpretation of variants in research participants for the purpose of population health screening. Participant phenotype was not available at the time of variant classification. Additional details can be found in publication PMID: 35346344, PMCID: PMC8962531

Color Diagnostics, LLC DBA Color Health
Classification: Likely benign for Wilson disease. Last evaluated: 2022-04-28. Review status: criteria provided, single submitter. Criteria: ACMG Guidelines, 2015. Collection method: clinical testing. Allele origin: germline.

GeneDx
Classification: Likely benign. Last evaluated: 2018-06-13. Review status: criteria provided, single submitter. Criteria: GeneDx Variant Classification (06012015). Collection method: clinical testing. Allele origin: germline. Affected: yes.
Comment: This variant is considered likely benign or benign based on one or more of the following criteria: it is a conservative change, it occurs at a poorly conserved position in the protein, it is predicted to be benign by multiple in silico algorithms, and/or has population frequency not consistent with disease.